The following is an entry in ClinVar:

ClinVar aggregate classification (germline): Uncertain significance (1 of 4 stars; one submission).

Allele frequency attached by ClinVar (database versions not stated): gnomAD exomes below 0.00001; ExAC 0.00001.
gnomAD v4.1: 7 of 1,612,778 alleles (0.00043%); highest among the groups gnomAD compares: East Asian, 0.0022%; no homozygotes.

Submission:

Labcorp Genetics (formerly Invitae), Labcorp
Classification: Uncertain significance. Last evaluated: 2022-03-08. Review status: criteria provided, single submitter. Criteria: Invitae Variant Classification Sherloc (09022015). Collection method: clinical testing. Allele origin: germline.
Comment: In summary, the available evidence is currently insufficient to determine the role of this variant in disease. Therefore, it has been classified as a Variant of Uncertain Significance. Algorithms developed to predict the effect of missense changes on protein structure and function are either unavailable or do not agree on the potential impact of this missense change (SIFT: "Deleterious"; PolyPhen-2: "Benign"; Align-GVGD: "Class C0"). This variant has not been reported in the literature in individuals affected with RASA2-related conditions. The frequency data for this variant in the population databases is considered unreliable, as metrics indicate poor data quality at this position in the gnomAD database. This sequence change replaces isoleucine, which is neutral and non-polar, with methionine, which is neutral and non-polar, at codon 313 of the RASA2 protein (p.Ile313Met).

NM_006506.5(RASA2):c.939A>G (p.Ile313Met)

Gene: RASA2 (RAS p21 protein activator 2; plus strand). Cytogenetic location: 3q23.
Variant type: single nucleotide variant.
Coding change: c.939A>G on transcript NM_006506.5 (MANE Select); coding-DNA position 939, A replaced by G.
Protein change: p.Ile313Met; replaces isoleucine 313 with methionine.
Molecular consequence: missense variant.
Genome position (GRCh38, 1-based): chr3:141,570,987, A>G. VCF-style: chr3-141570987-A-G. GRCh37 (hg19) VCF-style: chr3-141289829-A-G.
Other names: c.939A>G, p.Ile313Met (NM_001303245.3, NM_001303246.3); short protein forms I313M.
Identifiers: ClinVar variation 2077282 (VCV002077282.4), dbSNP rs757789272, ClinGen allele CA2645371.